The following is an entry in ClinVar:

NM_000458.4(HNF1B):c.1535-225_1535-224insC

Gene: HNF1B (HNF1 homeobox B; minus strand). Cytogenetic location: 17q12.
Variant type: Insertion.
Coding change: c.1535-225_1535-224insC on transcript NM_000458.4 (MANE Select); 225 bases into the intron before coding-DNA position 1535 through 224 bases into the intron before coding-DNA position 1535, C inserted.
Molecular consequence: intron variant.
Genome position: GRCh38 VCF-style: chr17-37699418-A-AG. GRCh37 (hg19) VCF-style: chr17-36059424-A-AG.
Other names: c.1261+5498_1261+5499insC (NM_001304286.2); c.1457-225_1457-224insC (NM_001165923.4).
Identifiers: ClinVar variation 676876 (VCV000676876.2), dbSNP rs11440398, ClinGen allele CA290293631.

ClinVar aggregate classification (germline): Benign. Review status: criteria provided, multiple submitters, no conflicts (2 of 4 stars). 2 submissions from 2 submitters: Benign (2). Last evaluated 2018-06-14.

Conditions:
Maturity-onset diabetes of the young (MODY). Also called: Maturity onset diabetes mellitus in young. Identifiers: Orphanet 552, MedGen C0342276, MONDO:0018911, HP:0004904.

Allele frequency attached by ClinVar (database versions not stated): gnomAD 0.33730 and 0.34179; 1000 Genomes Project 0.34465; TOPMed 0.34470; 1000 Genomes Project 30x 0.34963.

Submissions (2):

GeneDx
Classification: Benign. Last evaluated: 2018-06-14. Review status: criteria provided, single submitter. Criteria: GeneDx Variant Classification (06012015). Collection method: clinical testing. Allele origin: germline. Affected: yes.
Comment: This variant is considered likely benign or benign based on one or more of the following criteria: it is a conservative change, it occurs at a poorly conserved position in the protein, it is predicted to be benign by multiple in silico algorithms, and/or has population frequency not consistent with disease.

Clinical Genomics, Uppaluri K&H Personalized Medicine Clinic
Classification: Benign for Maturity-onset diabetes of the young. Review status: criteria provided, single submitter. Criteria: K & H Uppaluri Personalized Medicine Clinic Variant Classification & Assertion Criteria_Updated V.1. Collection method: research. Allele origin: unknown. Inheritance: Autosomal dominant inheritance.
Comment: HNF1B gene mutations are associated with early onset diabetes and pancreatic atrophy. It is also associated with multiple renal manifestations including renal cysts, Tubulointerstitial disease, glomerulocystic disease, renal hypoplasia, hypomagnesemia. However no sufficient evidence is found to ascertain the role of this particular variant rs11440398, yet.

Literature cited by the submitters: PubMed 24897035 (cited by Clinical Genomics, Uppaluri K&H Personalized Medicine Clinic); PubMed 25536396 (cited by Clinical Genomics, Uppaluri K&H Personalized Medicine Clinic); PubMed 27615128 (cited by Clinical Genomics, Uppaluri K&H Personalized Medicine Clinic); PubMed 28215227 (cited by Clinical Genomics, Uppaluri K&H Personalized Medicine Clinic); PubMed 33434175 (cited by Clinical Genomics, Uppaluri K&H Personalized Medicine Clinic); PubMed 25741167 (cited by Clinical Genomics, Uppaluri K&H Personalized Medicine Clinic); PubMed 26340261 (cited by Clinical Genomics, Uppaluri K&H Personalized Medicine Clinic); PubMed 19639018 (cited by Clinical Genomics, Uppaluri K&H Personalized Medicine Clinic).